The following is an entry in ClinVar:

ClinVar aggregate classification (germline): Uncertain significance (1 of 4 stars; one submission).

Conditions:
Neuroblastoma, susceptibility to, 3. Also called: ALK-Related Neuroblastic Tumor Susceptibility. Identifiers: Orphanet 635, MedGen C2751681, MONDO:0013083, OMIM 613014.

Allele frequency attached by ClinVar (database versions not stated): ExAC 0.00001.
gnomAD v4.1: 3 of 1,614,026 alleles (0.00019%); highest among the groups gnomAD compares: Admixed American, 0.005%; no homozygotes.

Submission:

Labcorp Genetics (formerly Invitae), Labcorp
Classification: Uncertain significance for Neuroblastoma, susceptibility to, 3. Last evaluated: 2022-07-27. Review status: criteria provided, single submitter. Criteria: Invitae Variant Classification Sherloc (09022015). Collection method: clinical testing. Allele origin: germline.
Comment: This sequence change replaces arginine, which is basic and polar, with serine, which is neutral and polar, at codon 606 of the ALK protein (p.Arg606Ser). This variant is present in population databases (rs754157689, gnomAD 0.009%). This variant has not been reported in the literature in individuals affected with ALK-related conditions. Algorithms developed to predict the effect of missense changes on protein structure and function (SIFT, PolyPhen-2, Align-GVGD) all suggest that this variant is likely to be disruptive. In summary, the available evidence is currently insufficient to determine the role of this variant in disease. Therefore, it has been classified as a Variant of Uncertain Significance.

NM_004304.5(ALK):c.1818G>T (p.Arg606Ser)

Gene: ALK (ALK receptor tyrosine kinase; minus strand). Cytogenetic location: 2p23.2.
Variant type: single nucleotide variant.
Coding change: c.1818G>T on transcript NM_004304.5 (MANE Select); coding-DNA position 1818, G replaced by T.
Protein change: p.Arg606Ser; replaces arginine 606 with serine.
Molecular consequence: missense variant.
Genome position (GRCh38, 1-based): chr2:29,275,496, C>A on the plus strand (G>T on the coding strand, the complement: ALK is on the minus strand). VCF-style: chr2-29275496-C-A. GRCh37 (hg19) VCF-style: chr2-29498362-C-A.
Other names: short protein forms R606S.
Identifiers: ClinVar variation 1713900 (VCV001713900.5), dbSNP rs754157689, ClinGen allele CA1594513.